The following is an entry in ClinVar:

NM_031439.4(SOX7):c.560G>A (p.Gly187Asp)

Gene: SOX7 (SRY-box transcription factor 7). Cytogenetic location: 8p23.1.
Variant type: single nucleotide variant.
Coding change: c.560G>A on transcript NM_031439.4 (MANE Select); coding-DNA position 560, G replaced by A.
Protein change: p.Gly187Asp; replaces glycine 187 with aspartic acid.
Molecular consequence: missense variant.
Genome position (GRCh38, 1-based): chr8:10,726,345, C>T on the plus strand (G>A on the coding strand, the complement: SOX7 is on the minus strand). VCF-style: chr8-10726345-C-T. GRCh37 (hg19) VCF-style: chr8-10583855-C-T.
Other names: short protein forms G187D.
Identifiers: ClinVar variation 4996806 (VCV004996806.1).
Genomic context (GRCh38, chr8:10,726,345, plus strand): 5'-ATTTCAGGAGGTGTGGGCAGCCCGTACGGGTACGTGTCCACACTGCTCGGGGTGCCGCCG[C>T]CGCCACCACCAGCCGGCCCCTCGTGGTAGCAGCCCCGGAGGCTGGGCAGGGCAGTGCCGG-3'
Protein context (NP_113627.1, residues 177-197): CYHEGPAGGG[Gly187Asp]GGTPSSVDTY

ClinVar aggregate classification (germline): Uncertain significance (1 of 4 stars; one submission).

Conditions:
SOX7-related disorder. Also called: SOX7-related condition.

Submission:

PreventionGenetics, part of Exact Sciences
Classification: Uncertain significance for SOX7-related condition. Last evaluated: 2025-05-12. Review status: criteria provided, single submitter. Criteria: ACMG Guidelines, 2015. Collection method: clinical testing. Allele origin: germline.
Comment: The SOX7 c.560G>A variant is predicted to result in the amino acid substitution p.Gly187Asp. To our knowledge, this variant has not been reported in the literature or in a large population database (gnomAD), indicating this variant is rare. At this time, the clinical significance of this variant is uncertain due to the absence of conclusive functional and genetic evidence.